The following is an entry in ClinVar:

ClinVar aggregate classification (germline): Uncertain significance. Review status: criteria provided, multiple submitters, no conflicts (2 of 4 stars). 2 submissions from 2 submitters: Uncertain significance (2). Last evaluated 2025-01-13.

Conditions:
Inborn genetic diseases. Identifiers: MedGen C0950123, MeSH D030342.

Submissions (2):

Labcorp Genetics (formerly Invitae), Labcorp
Classification: Uncertain significance. Last evaluated: 2025-01-13. Review status: criteria provided, single submitter. Criteria: Invitae Variant Classification Sherloc (09022015). Collection method: clinical testing. Allele origin: germline.
Comment: This sequence change replaces alanine, which is neutral and non-polar, with glycine, which is neutral and non-polar, at codon 90 of the FGF14 protein (p.Ala90Gly). This variant is not present in population databases (gnomAD no frequency). This variant has not been reported in the literature in individuals affected with FGF14-related conditions. ClinVar contains an entry for this variant (Variation ID: 3012998). Invitae Evidence Modeling of protein sequence and biophysical properties (such as structural, functional, and spatial information, amino acid conservation, physicochemical variation, residue mobility, and thermodynamic stability) indicates that this missense variant is not expected to disrupt FGF14 protein function with a negative predictive value of 80%. In summary, the available evidence is currently insufficient to determine the role of this variant in disease. Therefore, it has been classified as a Variant of Uncertain Significance.

Ambry Genetics
Classification: Uncertain significance for Inborn genetic diseases. Last evaluated: 2024-03-30. Review status: criteria provided, single submitter. Criteria: Ambry Variant Classification Scheme 2023. Collection method: clinical testing. Allele origin: germline.

NM_004115.4(FGF14):c.269C>G (p.Ala90Gly)

Gene: FGF14 (fibroblast growth factor 14; minus strand). Cytogenetic location: 13q33.1.
Variant type: single nucleotide variant.
Coding change: c.269C>G on transcript NM_004115.4 (MANE Select); coding-DNA position 269, C replaced by G.
Protein change: p.Ala90Gly; replaces alanine 90 with glycine.
Molecular consequence: missense variant. On other transcripts: intron variant (1).
Genome position (GRCh38, 1-based): chr13:101,875,221, G>C on the plus strand (C>G on the coding strand, the complement: FGF14 is on the minus strand). VCF-style: chr13-101875221-G-C. GRCh37 (hg19) VCF-style: chr13-102527571-G-C.
Other names: c.17C>G, p.Ala6Gly (NM_001321931.1, NM_001321934.1, NM_001321935.1 and 4 more transcripts); c.80C>G, p.Ala27Gly (NM_001321932.1, NM_001321936.1, NM_001321944.1); c.89C>G, p.Ala30Gly (NM_001321933.1, NM_001321938.2, NM_001321940.1); c.284C>G, p.Ala95Gly (NM_001321937.2, NM_175929.3); c.83C>G, p.Ala28Gly (NM_001321941.2); c.167C>G, p.Ala56Gly (NM_001321945.2, NM_001321948.2, NM_001379342.1); c.128C>G, p.Ala43Gly (NM_001321947.2); c.209-6393C>G (NM_001321939.2); and 1 more; short protein forms A28G, A30G, A43G, A6G, A90G, A27G, A56G, A95G.
Identifiers: ClinVar variation 3012998 (VCV003012998.4), dbSNP rs1422290980, ClinGen allele CA388712836.
Genomic context (GRCh38, chr13:101,875,221, plus strand): 5'-CTGGTGGCCTGAGGTTGTCACTTACTAGAATTAGTGCTGTCATCCTTGGTTCCATCGAGA[G>C]CTCCATCGGGGTGCATTTGCAAGTAGTAGCCTTGCCTGCAATATAACCTGGTCACTATAC-3'
Protein context (NP_004106.1, residues 80-100): GYYLQMHPDG[Ala90Gly]LDGTKDDSTN